The following is an entry in ClinVar:

NM_001378418.1(TCF20):c.4568C>T (p.Pro1523Leu)

Gene: TCF20 (transcription factor 20; minus strand). Cytogenetic location: 22q13.2.
Variant type: single nucleotide variant.
Coding change: c.4568C>T on transcript NM_001378418.1 (MANE Select); coding-DNA position 4568, C replaced by T.
Protein change: p.Pro1523Leu; replaces proline 1523 with leucine.
Molecular consequence: missense variant.
Genome position (GRCh38, 1-based): chr22:42,210,738, G>A on the plus strand (C>T on the coding strand, the complement: TCF20 is on the minus strand). VCF-style: chr22-42210738-G-A. GRCh37 (hg19) VCF-style: chr22-42606744-G-A.
Other names: c.4568C>T, p.Pro1523Leu (NM_005650.4, NM_181492.3); c.4568C>T (NM_005650.1); short protein forms P1523L.
Identifiers: ClinVar variation 3664622 (VCV003664622.4).
Genomic context (GRCh38, chr22:42,210,738, plus strand): 5'-GGTCTCCCCTTCTTCTTTCCTGATGGGAAATATCCCTTTGGAGGGAAACCCTCTTGCTTC[G>A]GTGAAATCGTCACTGTATCGTTCTCCTTCTCTTCAGCCTTGGGGTTTGCCTCAGGGGCCA-3'
Protein context (NP_001365347.1, residues 1513-1533): EKENDTVTIS[Pro1523Leu]KQEGFPPKGY

ClinVar aggregate classification (germline): Conflicting classifications of pathogenicity. Review status: criteria provided, conflicting classifications (1 of 4 stars). 3 submissions from 3 submitters: Uncertain significance (1); Likely benign (2). Last evaluated 2025-06-24.

Conditions:
Inborn genetic diseases. Identifiers: MedGen C0950123, MeSH D030342.

gnomAD v4.1: 107 of 1,614,152 alleles (0.0066%); highest among the groups gnomAD compares: South Asian, 0.058%; no homozygotes.

Submissions (3):

Ambry Genetics
Classification: Likely benign for Inborn genetic diseases. Last evaluated: 2025-06-24. Review status: criteria provided, single submitter. Criteria: Ambry Variant Classification Scheme 2023. Collection method: clinical testing. Allele origin: germline.

Laboratory of Genetics, Children's Clinical University Hospital Latvia
Classification: Likely benign. Last evaluated: 2025-02-16. Review status: criteria provided, single submitter. Criteria: ACMG Guidelines, 2015. Collection method: clinical testing. Allele origin: germline. Affected: yes.

Labcorp Genetics (formerly Invitae), Labcorp
Classification: Uncertain significance. Last evaluated: 2024-07-22. Review status: criteria provided, single submitter. Criteria: Invitae Variant Classification Sherloc (09022015). Collection method: clinical testing. Allele origin: germline.
Comment: This sequence change replaces proline, which is neutral and non-polar, with leucine, which is neutral and non-polar, at codon 1523 of the TCF20 protein (p.Pro1523Leu). This variant is present in population databases (rs187417294, gnomAD 0.06%), and has an allele count higher than expected for a pathogenic variant. This variant has not been reported in the literature in individuals affected with TCF20-related conditions. An algorithm developed to predict the effect of missense changes on protein structure and function (PolyPhen-2) suggests that this variant is likely to be disruptive. In summary, the available evidence is currently insufficient to determine the role of this variant in disease. Therefore, it has been classified as a Variant of Uncertain Significance.